The following is an entry in ClinVar:

NM_000264.5(PTCH1):c.956T>C (p.Met319Thr)

Gene: PTCH1 (patched 1; minus strand). Cytogenetic location: 9q22.32.
Variant type: single nucleotide variant.
Coding change: c.956T>C on transcript NM_000264.5 (MANE Select); coding-DNA position 956, T replaced by C.
Protein change: p.Met319Thr; replaces methionine 319 with threonine.
Molecular consequence: missense variant. On other transcripts: non-coding transcript variant (1).
Genome position (GRCh38, 1-based): chr9:95,480,080, A>G on the plus strand (T>C on the coding strand, the complement: PTCH1 is on the minus strand). VCF-style: chr9-95480080-A-G. GRCh37 (hg19) VCF-style: chr9-98242362-A-G.
Other names: c.758T>C, p.Met253Thr (NM_001083602.3); c.953T>C, p.Met318Thr (NM_001083603.3); c.503T>C, p.Met168Thr (NM_001083604.3, NM_001083605.3, NM_001083606.3 and 1 more transcripts); c.956T>C, p.Met319Thr (NM_001354918.2); short protein forms M319T, M253T, M318T, M168T.
Identifiers: ClinVar variation 1047260 (VCV001047260.12), dbSNP rs867609005, ClinGen allele CA196595887.

ClinVar aggregate classification (germline): Conflicting classifications of pathogenicity. Review status: criteria provided, conflicting classifications (1 of 4 stars). 2 submissions from 2 submitters: Uncertain significance (1); Benign (1). Last evaluated 2025-07-14.

Conditions:
Hereditary cancer-predisposing syndrome. Also called: Hereditary neoplastic syndrome; Neoplastic Syndromes, Hereditary; Tumor predisposition; Hereditary Cancer Syndrome. Identifiers: Orphanet 140162, MedGen C0027672, MeSH D009386, MONDO:0015356.
Gorlin syndrome. Also called: Nevoid Basal Cell Carcinoma Syndrome; Basal cell nevus syndrome. Identifiers: Orphanet 377, MedGen C0004779, MONDO:0007187.

Allele frequency attached by ClinVar (database versions not stated): gnomAD exomes below 0.00001 and 0.00001; TOPMed below 0.00001; gnomAD 0.00001.
gnomAD v4.1: 7 of 1,613,980 alleles (0.00043%); highest among the groups gnomAD compares: Non-Finnish European, 0.00059%; no homozygotes.

Submissions (2):

Labcorp Genetics (formerly Invitae), Labcorp
Classification: Benign for Gorlin syndrome. Last evaluated: 2025-07-14. Review status: criteria provided, single submitter. Criteria: Invitae Variant Classification Sherloc (09022015). Collection method: clinical testing. Allele origin: germline.

Ambry Genetics
Classification: Uncertain significance for Hereditary cancer-predisposing syndrome. Last evaluated: 2024-03-31. Review status: criteria provided, single submitter. Criteria: Ambry Variant Classification Scheme 2023. Collection method: clinical testing. Allele origin: germline.
Comment: The p.M319T variant (also known as c.956T>C), located in coding exon 7 of the PTCH1 gene, results from a T to C substitution at nucleotide position 956. The methionine at codon 319 is replaced by threonine, an amino acid with similar properties. This amino acid position is conserved. In addition, the in silico prediction for this alteration is inconclusive. Since supporting evidence is limited at this time, the clinical significance of this alteration remains unclear.